The following is an entry in ClinVar:

ClinVar aggregate classification (germline): Benign (1 of 4 stars; one submission).

Conditions:
Platelet-type bleeding disorder 9 (BDPLT9). Also called: GLYCOPROTEIN Ia DEFICIENCY; GP Ia DEFICIENCY; COLLAGEN PLATELET RECEPTOR DEFICIENCY. Identifiers: Orphanet 73271, Orphanet 98886, MedGen C3280114, MONDO:0013622, OMIM 614200.

Allele frequency attached by ClinVar (database versions not stated): gnomAD 0.00644 and 0.00685; TOPMed 0.00753; 1000 Genomes Project 30x 0.00906; 1000 Genomes Project 0.00919.
gnomAD v4.1: 1,334 of 610,832 alleles (0.22%); highest among the groups gnomAD compares: African/African-American, 2%; 11 homozygotes.

Submission:

Illumina Laboratory Services, Illumina
Classification: Benign for Platelet-type bleeding disorder 9. Last evaluated: 2018-01-13. Review status: criteria provided, single submitter. Criteria: ICSL Variant Classification Criteria 13 December 2019. Collection method: clinical testing. Allele origin: germline.
Comment: This variant was observed in the ICSL laboratory as part of a predisposition screen in an ostensibly healthy population. It had not been previously curated by ICSL or reported in the Human Gene Mutation Database (HGMD: prior to June 1st, 2018), and was therefore a candidate for classification through an automated scoring system. Utilizing variant allele frequency, disease prevalence and penetrance estimates, and inheritance mode, an automated score was calculated to assess if this variant is too frequent to cause the disease. Based on the score and internal cut-off values, a variant classified as benign is not then subjected to further curation. The score for this variant resulted in a classification of benign for this disease.

NM_002203.4(ITGA2):c.*208G>A

Gene: ITGA2 (integrin subunit alpha 2; plus strand). Cytogenetic location: 5q11.2.
Variant type: single nucleotide variant.
Coding change: c.*208G>A on transcript NM_002203.4 (MANE Select); 208 bases downstream of the stop codon, G replaced by A.
Molecular consequence: 3 prime UTR variant. On other transcripts: non-coding transcript variant (5).
Genome position (GRCh38, 1-based): chr5:53,090,807, G>A. VCF-style: chr5-53090807-G-A. GRCh37 (hg19) VCF-style: chr5-52386637-G-A.
Identifiers: ClinVar variation 353788 (VCV000353788.5), dbSNP rs190842751, ClinGen allele CA10624678.
Genomic context (GRCh38, chr5:53,090,807, plus strand): 5'-TTTGGAATGAAGAAATTGTGGGGGGTGGGGGAGGTGCGGGGGGCAGGTAGGGAAATAATA[G>A]GGAAAATACCTATTTTATATGATGGGGGAAAAAAAGTAATCTTTAAACTGGCTGGCCCAG-3'